The following is an entry in ClinVar:

NM_032578.4(MYPN):c.3581G>T (p.Arg1194Leu)

Gene: MYPN (myopalladin; plus strand). Cytogenetic location: 10q21.3.
Variant type: single nucleotide variant.
Coding change: c.3581G>T on transcript NM_032578.4 (MANE Select); coding-DNA position 3581, G replaced by T.
Protein change: p.Arg1194Leu; replaces arginine 1194 with leucine.
Molecular consequence: missense variant. On other transcripts: non-coding transcript variant (2).
Genome position (GRCh38, 1-based): chr10:68,201,916, G>T. VCF-style: chr10-68201916-G-T. GRCh37 (hg19) VCF-style: chr10-69961673-G-T.
Other names: c.3581G>T, p.Arg1194Leu (NM_001256267.2); c.2699G>T, p.Arg900Leu (NM_001256268.2); short protein forms R1194L, R900L.
Identifiers: ClinVar variation 3626835 (VCV003626835.2).

ClinVar aggregate classification (germline): Uncertain significance (1 of 4 stars; one submission).

Conditions:
Dilated cardiomyopathy 1KK (CMD1KK). Identifiers: Orphanet 154, Orphanet 75249, MedGen C3714995, MONDO:0014100, OMIM 615248.

Submission:

Labcorp Genetics (formerly Invitae), Labcorp
Classification: Uncertain significance for Dilated cardiomyopathy 1KK. Last evaluated: 2024-08-29. Review status: criteria provided, single submitter. Criteria: Invitae Variant Classification Sherloc (09022015). Collection method: clinical testing. Allele origin: germline.
Comment: This sequence change replaces arginine, which is basic and polar, with leucine, which is neutral and non-polar, at codon 1194 of the MYPN protein (p.Arg1194Leu). This variant is not present in population databases (gnomAD no frequency). This variant has not been reported in the literature in individuals affected with MYPN-related conditions. An algorithm developed to predict the effect of missense changes on protein structure and function (PolyPhen-2) suggests that this variant is likely to be disruptive. In summary, the available evidence is currently insufficient to determine the role of this variant in disease. Therefore, it has been classified as a Variant of Uncertain Significance.